The following is an entry in ClinVar:

NM_019055.6(ROBO4):c.588dup (p.Ala197fs)

Gene: ROBO4 (roundabout guidance receptor 4; minus strand). Cytogenetic location: 11q24.2.
Variant type: Duplication.
Coding change: c.588dup on transcript NM_019055.6 (MANE Select); coding-DNA position 588, one base duplicated (A; older notation c.588dupA).
Protein change: p.Ala197fs; shifts the reading frame from alanine 197.
Molecular consequence: frameshift variant.
Genome position (GRCh38, 1-based): chr11:124,896,289, T duplicated on the plus strand (A on the coding strand, the reverse complement: ROBO4 is on the minus strand). VCF-style (leftmost placement, unchanged base first): chr11-124896288-C-CT. GRCh37 (hg19) VCF-style: chr11-124766184-C-CT.
Other names: c.153dup, p.Ala52fs (NM_001301088.2); c.588dup, p.Ala197fs (NM_001441183.1); short protein forms A197fs, A52fs.
Identifiers: ClinVar variation 4526491 (VCV004526491.1).

ClinVar aggregate classification (germline): Uncertain significance (1 of 4 stars; one submission).

Conditions:
Aortic valve disease 3. Identifiers: MedGen C5193127, MONDO:0032783, OMIM 618496.

Submission:

MVZ Medizinische Genetik Mainz
Classification: Uncertain significance for Aortic valve disease 3. Last evaluated: 2025-09-19. Review status: criteria provided, single submitter. Criteria: UK Practice Guidelines For Variant Classification V4 01 2020. Collection method: clinical testing. Allele origin: germline. Inheritance: Autosomal dominant inheritance. Affected: yes. Observed: 1 variant allele.
Comment: ACMG Criteria: PVS1_STR,PM2_SUP